The following is an entry in ClinVar:

ClinVar aggregate classification (germline): Pathogenic. Review status: criteria provided, multiple submitters, no conflicts (2 of 4 stars). 2 submissions from 2 submitters: Pathogenic (2). Last evaluated 2023-12-09.

Conditions:
Infantile neuroaxonal dystrophy (NBIA2A). Also called: SEITELBERGER DISEASE; NEURODEGENERATION WITH BRAIN IRON ACCUMULATION 2A; Infantile neuroaxonal dystrophy 1. Identifiers: Orphanet 35069, MedGen C0270724, MONDO:0024457, OMIM 256600.

Submissions (2):

GeneDx
Classification: Pathogenic. Last evaluated: 2023-12-09. Review status: criteria provided, single submitter. Criteria: GeneDx Variant Classification Process June 2021. Collection method: clinical testing. Allele origin: germline.
Comment: Canonical splice site variant predicted to result in a null allele in a gene for which loss of function is a known mechanism of disease; Not observed at significant frequency in large population cohorts (gnomAD); This variant is associated with the following publications: (PMID: 25525159, 16783378)

Mendelics
Classification: Pathogenic for Infantile neuroaxonal dystrophy. Last evaluated: 2019-05-28. Review status: criteria provided, single submitter. Criteria: Mendelics Assertion Criteria 2017. Collection method: clinical testing. Allele origin: unknown.

NM_003560.4(PLA2G6):c.2276+1G>A

Gene: PLA2G6 (phospholipase A2 group VI; minus strand). Cytogenetic location: 22q13.1.
Variant type: single nucleotide variant.
Coding change: c.2276+1G>A on transcript NM_003560.4 (MANE Select); the canonical splice donor site of the intron after coding-DNA position 2276, G replaced by A.
Molecular consequence: splice donor variant.
Genome position (GRCh38, 1-based): chr22:38,112,503, C>T on the plus strand (G>A on the coding strand, the complement: PLA2G6 is on the minus strand). VCF-style: chr22-38112503-C-T. GRCh37 (hg19) VCF-style: chr22-38508510-C-T.
Other names: c.1598+1G>A (NM_001349868.2); c.2114+1G>A (NM_001349866.2, NM_001199562.3, NM_001349865.2 and 1 more transcripts); c.1580+1G>A (NM_001349869.2); c.1742+1G>A (NM_001349867.2); c.2276+1G>A (NM_001349864.2).
Identifiers: ClinVar variation 803689 (VCV000803689.3), dbSNP rs1397030516, ClinGen allele CA411523278.